The following is an entry in ClinVar:

ClinVar aggregate classification (germline): Pathogenic/Likely pathogenic. Review status: criteria provided, multiple submitters, no conflicts (2 of 4 stars). 6 submissions from 6 submitters: Pathogenic (5); Likely pathogenic (1). Last evaluated 2025-07-18.

Conditions:
Methylmalonic aciduria due to complete methylmalonyl-CoA mutase deficiency.
Methylmalonic acidemia (MMA). Also called: Isolated Methylmalonic Acidemia. Identifiers: MedGen C0268583, MeSH C537358, MONDO:0002012, HP:0002912.
Methylmalonic aciduria due to methylmalonyl-CoA mutase deficiency (MAMM). Also called: Methylmalonic aciduria, mut type. Identifiers: Orphanet 27, MedGen C1855114, MONDO:0009612, OMIM 251000.

Allele frequency attached by ClinVar (database versions not stated): TOPMed 0.00001; gnomAD exomes 0.00002 and 0.00004; ExAC 0.00004.
gnomAD v4.1: 9 of 1,614,116 alleles (0.00056%); highest among the groups gnomAD compares: Admixed American, 0.015%; no homozygotes.

Submissions (6):

Natera, Inc.
Classification: Pathogenic for Methylmalonic aciduria due to complete methylmalonyl-CoA mutase deficiency. Last evaluated: 2025-07-18. Review status: criteria provided, single submitter. Criteria: Natera Variant Classification Schema (03/2026). Collection method: clinical testing. Allele origin: germline.
Comment: The c.280G>A variant in MMUT is a missense variant predicted to cause substitution of glycine to arginine at amino acid 94. This variant is rare in the general population with a frequency below the threshold expected for the associated phenotype(s). This variant has been observed in one or more individuals affected with the associated recessive disease, as either homozygous or compound heterozygous with a second variant (PMID: 16281286). Given the available evidence, this variant is classified as Pathogenic.

Labcorp Genetics (formerly Invitae), Labcorp
Classification: Pathogenic. Last evaluated: 2024-04-15. Review status: criteria provided, single submitter. Criteria: Invitae Variant Classification Sherloc (09022015). Collection method: clinical testing. Allele origin: germline.
Comment: This sequence change replaces glycine, which is neutral and non-polar, with arginine, which is basic and polar, at codon 94 of the MUT protein (p.Gly94Arg). This variant is present in population databases (rs727504022, gnomAD 0.03%). This missense change has been observed in individual(s) with clinical features of MUT-related conditions (PMID: 16281286). ClinVar contains an entry for this variant (Variation ID: 167312). Advanced modeling of protein sequence and biophysical properties (such as structural, functional, and spatial information, amino acid conservation, physicochemical variation, residue mobility, and thermodynamic stability) performed at Invitae indicates that this missense variant is expected to disrupt MUT protein function with a positive predictive value of 95%. This variant disrupts the p.Gly94 amino acid residue in MUT. Other variant(s) that disrupt this residue have been determined to be pathogenic (PMID: 9285782, 16281286). This suggests that this residue is clinically significant, and that variants that disrupt this residue are likely to be disease-causing. For these reasons, this variant has been classified as Pathogenic.

Women's Health and Genetics/Laboratory Corporation of America, LabCorp
Classification: Pathogenic for Methylmalonic acidemia. Last evaluated: 2022-10-30. Review status: criteria provided, single submitter. Criteria: LabCorp Variant Classification Summary - May 2015. Collection method: clinical testing. Allele origin: germline.
Comment: Variant summary: MUT c.280G>A (p.Gly94Arg) results in a non-conservative amino acid change located in the Methylmalonyl-CoA mutase, alpha chain, catalytic domain (IPR006098) of the encoded protein sequence. Five of five in-silico tools predict a damaging effect of the variant on protein function. The variant allele was found at a frequency of 3.6e-05 in 251460 control chromosomes (gnomAD). c.280G>A has been reported in the literature as a biallelic genotype in multiple individuals affected with Methylmalonic Acidemia (e.g. Worgan_2006, Pillai_2019). These data indicate that the variant is very likely to be associated with disease. To our knowledge, no experimental evidence demonstrating an impact on protein function has been reported. Three ClinVar submitters have assessed the variant since 2014: all three classified the variant as pathogenic. Based on the evidence outlined above, the variant was classified as pathogenic.

Revvity Omics, Revvity
Classification: Likely pathogenic for Methylmalonic aciduria due to methylmalonyl-CoA mutase deficiency. Last evaluated: 2022-05-05. Review status: criteria provided, single submitter. Criteria: ACMG Guidelines, 2015. Collection method: clinical testing. Allele origin: germline.

Fulgent Genetics
Classification: Pathogenic for Methylmalonic aciduria due to methylmalonyl-CoA mutase deficiency. Last evaluated: 2022-04-18. Review status: criteria provided, single submitter. Criteria: ACMG Guidelines, 2015. Collection method: clinical testing. Allele origin: unknown.

Eurofins Ntd Llc (ga)
Classification: Pathogenic. Last evaluated: 2013-12-04. Review status: criteria provided, single submitter. Criteria: EGL Classification Definitions. Collection method: clinical testing. Allele origin: germline. Observed: 1 variant allele, 1 heterozygote.

Literature cited by the submitters: PubMed 16281286 (cited by 3 submitters); PubMed 9285782 (cited by Labcorp Genetics (formerly Invitae), Labcorp); PubMed 31757659 (cited by Women's Health and Genetics/Laboratory Corporation of America, LabCorp).

NM_000255.4(MMUT):c.280G>A (p.Gly94Arg)

Gene: MMUT (methylmalonyl-CoA mutase; minus strand). Cytogenetic location: 6p12.3.
Variant type: single nucleotide variant.
Coding change: c.280G>A on transcript NM_000255.4 (MANE Select); coding-DNA position 280, G replaced by A.
Protein change: p.Gly94Arg; replaces glycine 94 with arginine.
Molecular consequence: missense variant.
Genome position (GRCh38, 1-based): chr6:49,459,187, C>T on the plus strand (G>A on the coding strand, the complement: MMUT is on the minus strand). VCF-style: chr6-49459187-C-T. GRCh37 (hg19) VCF-style: chr6-49426900-C-T.
Other names: short protein forms G94R.
Identifiers: ClinVar variation 167312 (VCV000167312.20), dbSNP rs727504022, ClinGen allele CA234291.